The following is an entry in ClinVar:

NM_000237.3(LPL):c.1018+34A>G

Gene: LPL (lipoprotein lipase; plus strand). Cytogenetic location: 8p21.3.
Variant type: single nucleotide variant.
Coding change: c.1018+34A>G on transcript NM_000237.3 (MANE Select); 34 bases into the intron after coding-DNA position 1018, A replaced by G.
Molecular consequence: intron variant.
Genome position (GRCh38, 1-based): chr8:19,956,117, A>G. VCF-style: chr8-19956117-A-G. GRCh37 (hg19) VCF-style: chr8-19813628-A-G.
Other names: c.1018+34A>G (NM_000237.2).
Identifiers: ClinVar variation 1165810 (VCV001165810.36), dbSNP rs190249506, ClinGen allele CA4655576.

ClinVar aggregate classification (germline): Benign/Likely benign. Review status: criteria provided, multiple submitters, no conflicts (2 of 4 stars). 7 submissions from 7 submitters: Benign (4); Likely benign (1). 2 of the submissions do not count toward it. Last evaluated 2026-08-01.

Conditions:
Hyperlipidemia, familial combined, LPL related (FCHL3). Also called: Hyperapobetalipoproteinemia. Identifiers: MedGen C0020474, MONDO:0007759, OMIM 144250, HP:0008158.
Hyperlipoproteinemia, type I. Also called: Hyperlipoproteinemia type 1; Hyperchylomicro-nemia familial; Familial chylomicronemia; Hyperlipemia idiopathic Burger-Grutz type; Lipoprotein Lipase Deficiency; Lipase D deficiency. Identifiers: Orphanet 309015, Orphanet 444490, MedGen C0023817, MONDO:0009387, OMIM 238600. Disease mechanism: loss of function.
LPL-related disorder. Also called: LPL-related condition.

Allele frequency attached by ClinVar (database versions not stated): 1000 Genomes Project 30x 0.00109; 1000 Genomes Project 0.00120; TOPMed 0.00242; ESP Exome Variant Server 0.00300; gnomAD exomes 0.00357; gnomAD 0.00362 and 0.00372; ExAC 0.00365.
gnomAD v4.1: 5,128 of 1,613,300 alleles (0.32%); highest among the groups gnomAD compares: Non-Finnish European, 0.35%; 36 homozygotes.

Submissions (7):

CeGaT Center for Human Genetics Tuebingen
Classification: Benign. Last evaluated: 2026-08-01. Review status: criteria provided, single submitter. Criteria: CeGaT Center For Human Genetics Tuebingen Variant Classification Criteria Version 2. Collection method: clinical testing. Allele origin: germline. Affected: yes. Observed: 15 variant alleles.
Comment: LPL: BP4, BS1, BS2

Labcorp Genetics (formerly Invitae), Labcorp
Classification: Benign. Last evaluated: 2024-10-21. Review status: criteria provided, single submitter. Criteria: Invitae Variant Classification Sherloc (09022015). Collection method: clinical testing. Allele origin: germline.

Fulgent Genetics
Classification: Likely benign for Hyperlipidemia, familial combined, LPL related; Hyperlipoproteinemia, type I. Last evaluated: 2022-04-07. Review status: criteria provided, single submitter. Criteria: ACMG Guidelines, 2015. Collection method: clinical testing. Allele origin: unknown.

GeneDx
Classification: Benign. Last evaluated: 2020-06-09. Review status: criteria provided, single submitter. Criteria: GeneDx Variant Classification Process June 2021. Collection method: clinical testing. Allele origin: germline. Affected: yes.
Comment: This variant is associated with the following publications: (PMID: 26901141)

Breakthrough Genomics
Classification: Benign. Review status: criteria provided, single submitter. Criteria: ACMG Guidelines, 2015. Collection method: not provided. Allele origin: germline. Inheritance: Autosomal recessive inheritance. Affected: yes.

Natera, Inc.
Classification: Benign for Lipoprotein lipase deficiency. Last evaluated: 2019-10-21. Review status: no assertion criteria provided. Collection method: clinical testing. Allele origin: germline. Not counted in ClinVar's aggregate classification.

PreventionGenetics, part of Exact Sciences
Classification: Likely benign for LPL-related condition. Last evaluated: 2019-02-20. Review status: no assertion criteria provided. Collection method: clinical testing. Allele origin: germline. Not counted in ClinVar's aggregate classification.
Comment: This variant is classified as likely benign based on ACMG/AMP sequence variant interpretation guidelines (Richards et al. 2015 PMID: 25741868, with internal and published modifications).